The following is an entry in ClinVar:

ClinVar aggregate classification (germline): Likely benign (1 of 4 stars; one submission).

Submission:

CeGaT Center for Human Genetics Tuebingen
Classification: Likely benign. Last evaluated: 2024-09-01. Review status: criteria provided, single submitter. Criteria: CeGaT Center For Human Genetics Tuebingen Variant Classification Criteria Version 2. Collection method: clinical testing. Allele origin: germline. Affected: yes. Observed: 1 variant allele.
Comment: ALDH2: BP4

NM_000690.4(ALDH2):c.281G>A (p.Arg94His)

Gene: ALDH2 (aldehyde dehydrogenase 2 family member; plus strand). Cytogenetic location: 12q24.12.
Variant type: single nucleotide variant.
Coding change: c.281G>A on transcript NM_000690.4 (MANE Select); coding-DNA position 281, G replaced by A.
Protein change: p.Arg94His; replaces arginine 94 with histidine.
Molecular consequence: missense variant. On other transcripts: intron variant (1).
Genome position (GRCh38, 1-based): chr12:111,783,219, G>A. VCF-style: chr12-111783219-G-A. GRCh37 (hg19) VCF-style: chr12-112221023-G-A.
Other names: c.219+1197G>A (NM_001204889.2); short protein forms R94H.
Identifiers: ClinVar variation 3388584 (VCV003388584.14).